The following is an entry in ClinVar:

ClinVar aggregate classification (germline): Pathogenic/Likely pathogenic. Review status: criteria provided, multiple submitters, no conflicts (2 of 4 stars). 2 submissions from 2 submitters: Pathogenic (1); Likely pathogenic (1). Last evaluated 2024-10-18.

Conditions:
Dilated cardiomyopathy 1G (CMD1G). Identifiers: Orphanet 154, MedGen C1858763, MONDO:0011400, OMIM 604145.
Autosomal recessive limb-girdle muscular dystrophy type 2J (LGMDR10). Also called: Limb-girdle muscular dystrophy, type 2J; MUSCULAR DYSTROPHY, LIMB-GIRDLE, AUTOSOMAL RECESSIVE 10. Identifiers: Orphanet 140922, MedGen C1837342, MONDO:0012127, OMIM 608807.

Submissions (2):

Labcorp Genetics (formerly Invitae), Labcorp
Classification: Likely pathogenic for Dilated cardiomyopathy 1G; Autosomal recessive limb-girdle muscular dystrophy type 2J. Last evaluated: 2024-10-18. Review status: criteria provided, single submitter. Criteria: Invitae Variant Classification Sherloc (09022015). Collection method: clinical testing. Allele origin: germline.
Comment: This sequence change creates a premature translational stop signal (p.Gln22392*) in the TTN gene. While this is not anticipated to result in nonsense mediated decay, it is expected to create a truncated TTN protein. This variant is not present in population databases (gnomAD no frequency). This variant has not been reported in the literature in individuals affected with TTN-related conditions. ClinVar contains an entry for this variant (Variation ID: 1520072). This variant is located in the A band of TTN (PMID: 25589632). Truncating variants in this region are significantly overrepresented in patients affected with dilated cardiomyopathy (PMID: 25589632). Truncating variants in this region have also been reported in individuals affected with autosomal recessive centronuclear myopathy (PMID: 23975875). In summary, the currently available evidence indicates that the variant is pathogenic, but additional data are needed to prove that conclusively. Therefore, this variant has been classified as Likely Pathogenic.

MVZ Martinsried, Medicover Genetics
Classification: Pathogenic for Dilated cardiomyopathy 1G. Last evaluated: 2022-06-08. Review status: criteria provided, single submitter. Criteria: ACGS Guidelines, 2020. Collection method: clinical testing. Allele origin: inherited.

Literature cited by the submitters: PubMed 25589632 (cited by Labcorp Genetics (formerly Invitae), Labcorp); PubMed 23975875 (cited by Labcorp Genetics (formerly Invitae), Labcorp).

NM_001267550.2(TTN):c.67174C>T (p.Gln22392Ter)

Genes: TTN (titin; minus strand), TTN-AS1 (TTN antisense RNA 1; plus strand). Cytogenetic location: 2q31.2.
Variant type: single nucleotide variant.
Coding change: c.67174C>T on transcript NM_001267550.2 (MANE Select); coding-DNA position 67174, C replaced by T.
Protein change: p.Gln22392Ter; replaces glutamine 22392 with a stop codon.
Molecular consequence: nonsense.
Genome position (GRCh38, 1-based): chr2:178,580,113, G>A on the plus strand (C>T on the coding strand, the complement: TTN is on the minus strand). VCF-style: chr2-178580113-G-A. GRCh37 (hg19) VCF-style: chr2-179444840-G-A.
Other names: c.62251C>T, p.Gln20751Ter (NM_001256850.1); c.39979C>T, p.Gln13327Ter (NM_003319.4); c.59470C>T, p.Gln19824Ter (NM_133378.4); c.40354C>T, p.Gln13452Ter (NM_133432.3); c.40555C>T, p.Gln13519Ter (NM_133437.4); short protein forms Q19824*, Q13327*, Q20751*, Q13452*, Q13519*, Q22392*.
Identifiers: ClinVar variation 1520072 (VCV001520072.8), dbSNP rs2154176072, ClinGen allele CA349424326.